The following is an entry in ClinVar:

ClinVar aggregate classification (germline): Uncertain significance. Review status: criteria provided, multiple submitters, no conflicts (2 of 4 stars). 2 submissions from 2 submitters: Uncertain significance (2). Last evaluated 2026-09-15.

Conditions:
USH2A-related disorder. Also called: USH2A-related disorders; USH2A-related condition. Identifiers: MedGen CN239332.

gnomAD v4.1: 20 of 1,613,794 alleles (0.0012%); highest among the groups gnomAD compares: Middle Eastern, 0.033%; no homozygotes.

Submissions (2):

PreventionGenetics, part of Exact Sciences
Classification: Uncertain significance for USH2A-related condition. Last evaluated: 2026-09-15. Review status: criteria provided, single submitter. Criteria: ACMG Guidelines, 2015. Collection method: clinical testing. Allele origin: germline.
Comment: The USH2A c.14875G>A variant is predicted to result in the amino acid substitution p.Gly4959Ser. To our knowledge, this variant has not been reported in the literature. This variant is present in 0.0062% of alleles in individuals of African descent in gnomAD. At this time, the clinical significance of this variant is uncertain due to the absence of conclusive functional and genetic evidence.

Blueprint Genetics
Classification: Uncertain significance. Last evaluated: 2022-05-19. Review status: criteria provided, single submitter. Criteria: ACMG Guidelines, 2015. Collection method: clinical testing. Allele origin: germline.

NM_206933.4(USH2A):c.14875G>A (p.Gly4959Ser)

Gene: USH2A (usherin; minus strand). Cytogenetic location: 1q41.
Variant type: single nucleotide variant.
Coding change: c.14875G>A on transcript NM_206933.4 (MANE Select); coding-DNA position 14875, G replaced by A.
Protein change: p.Gly4959Ser; replaces glycine 4959 with serine.
Molecular consequence: missense variant.
Genome position (GRCh38, 1-based): chr1:215,640,651, C>T on the plus strand (G>A on the coding strand, the complement: USH2A is on the minus strand). VCF-style: chr1-215640651-C-T. GRCh37 (hg19) VCF-style: chr1-215813993-C-T.
Other names: c.14875G>A (NM_206933.2); short protein forms G4959S.
Identifiers: ClinVar variation 4933456 (VCV004933456.2).